The following is an entry in ClinVar:

NM_000355.4(TCN2):c.331G>A (p.Ala111Thr)

Gene: TCN2 (transcobalamin 2; plus strand). Cytogenetic location: 22q12.2.
Variant type: single nucleotide variant.
Coding change: c.331G>A on transcript NM_000355.4 (MANE Select); coding-DNA position 331, G replaced by A.
Protein change: p.Ala111Thr; replaces alanine 111 with threonine.
Molecular consequence: missense variant.
Genome position (GRCh38, 1-based): chr22:30,612,946, G>A. VCF-style: chr22-30612946-G-A. GRCh37 (hg19) VCF-style: chr22-31008933-G-A.
Other names: c.331G>A, p.Ala111Thr (NM_001184726.2); short protein forms A111T.
Identifiers: ClinVar variation 853656 (VCV000853656.5), dbSNP rs778150805, ClinGen allele CA10184587.
Genomic context (GRCh38, chr22:30,612,946, plus strand): 5'-GAGGATGACGGTGACTGCCAGGGCAAGCCTTCCATGGGCCAGCTGGCCCTCTACCTGCTC[G>A]CTCTCAGAGCCAACTGTGAGTTTGTCAGGGGCCACAAGGGGGACAGGCTGGTCTCACAGC-3'
Protein context (NP_000346.2, residues 101-121): SMGQLALYLL[Ala111Thr]LRANCEFVRG

ClinVar aggregate classification (germline): Uncertain significance (1 of 4 stars; one submission).

Conditions:
Transcobalamin II deficiency (TCN2D). Also called: TC II DEFICIENCY; TCN2 DEFICIENCY; Transcolabamin II deficiency. Identifiers: Orphanet 859, MedGen C0342701, MONDO:0010149, OMIM 275350.

Allele frequency attached by ClinVar (database versions not stated): gnomAD exomes 0.00004 and 0.00014; TOPMed 0.00008; ExAC 0.00010.
gnomAD v4.1: 67 of 1,614,156 alleles (0.0042%); highest among the groups gnomAD compares: Admixed American, 0.057%; no homozygotes.

Submission:

Labcorp Genetics (formerly Invitae), Labcorp
Classification: Uncertain significance for Transcobalamin II deficiency. Last evaluated: 2022-08-10. Review status: criteria provided, single submitter. Criteria: Invitae Variant Classification Sherloc (09022015). Collection method: clinical testing. Allele origin: germline.
Comment: This sequence change replaces alanine, which is neutral and non-polar, with threonine, which is neutral and polar, at codon 111 of the TCN2 protein (p.Ala111Thr). This variant is present in population databases (rs778150805, gnomAD 0.08%). This variant has not been reported in the literature in individuals affected with TCN2-related conditions. ClinVar contains an entry for this variant (Variation ID: 853656). Algorithms developed to predict the effect of missense changes on protein structure and function are either unavailable or do not agree on the potential impact of this missense change (SIFT: "Tolerated"; PolyPhen-2: "Possibly Damaging"; Align-GVGD: "Class C0"). In summary, the available evidence is currently insufficient to determine the role of this variant in disease. Therefore, it has been classified as a Variant of Uncertain Significance.